The following is an entry in ClinVar:

ClinVar aggregate classification (germline): Uncertain significance (1 of 4 stars; one submission).

Conditions:
RAI1-related disorder. Also called: RAI1-related condition.

Submission:

PreventionGenetics, part of Exact Sciences
Classification: Uncertain significance for RAI1-related condition. Last evaluated: 2026-06-12. Review status: criteria provided, single submitter. Criteria: ACMG Guidelines, 2015. Collection method: clinical testing. Allele origin: germline.
Comment: The RAI1 c.611C>T variant is predicted to result in the amino acid substitution p.Pro204Leu. To our knowledge, this variant has not been reported in the literature or in a large population database (gnomAD), indicating this variant is rare. At this time, the clinical significance of this variant is uncertain due to the absence of conclusive functional and genetic evidence.

NM_030665.4(RAI1):c.611C>T (p.Pro204Leu)

Gene: RAI1 (retinoic acid induced 1; plus strand). Cytogenetic location: 17p11.2.
Variant type: single nucleotide variant.
Coding change: c.611C>T on transcript NM_030665.4 (MANE Select); coding-DNA position 611, C replaced by T.
Protein change: p.Pro204Leu; replaces proline 204 with leucine.
Molecular consequence: missense variant.
Genome position (GRCh38, 1-based): chr17:17,793,559, C>T. VCF-style: chr17-17793559-C-T. GRCh37 (hg19) VCF-style: chr17-17696873-C-T.
Other names: short protein forms P204L.
Identifiers: ClinVar variation 4992895 (VCV004992895.1).